The following is an entry in ClinVar:

NM_174912.4(FAAH2):c.1570G>C (p.Gly524Arg)

Gene: FAAH2 (fatty acid amide hydrolase 2; plus strand). Cytogenetic location: Xp11.21.
Variant type: single nucleotide variant.
Coding change: c.1570G>C on transcript NM_174912.4 (MANE Select); coding-DNA position 1570, G replaced by C.
Protein change: p.Gly524Arg; replaces glycine 524 with arginine.
Molecular consequence: missense variant. On other transcripts: non-coding transcript variant (2).
Genome position (GRCh38, 1-based): chrX:57,488,903, G>C. VCF-style: chrX-57488903-G-C. GRCh37 (hg19) VCF-style: chrX-57515336-G-C.
Other names: c.1450G>C, p.Gly484Arg (NM_001353840.1); c.1360G>C, p.Gly454Arg (NM_001353841.1); short protein forms G454R, G484R, G524R.
Identifiers: ClinVar variation 1299436 (VCV001299436.4), dbSNP rs1240912829, ClinGen allele CA413390281.

ClinVar aggregate classification (germline): Uncertain significance (1 of 4 stars; one submission).

Allele frequency attached by ClinVar (database versions not stated): gnomAD exomes 0.00001; TOPMed 0.00002.
gnomAD v4.1: 1 of 1,210,549 alleles (0.000083%); highest among the groups gnomAD compares: Admixed American, 0.0022%; no homozygotes.

Submission:

Illumina Laboratory Services, Illumina
Classification: Uncertain significance. Last evaluated: 2021-09-22. Review status: criteria provided, single submitter. Criteria: ICSLVariantClassificationCriteria RUGD 01 April 2020. Collection method: clinical testing. Allele origin: unknown.
Comment: The FAAH2 c.1570G>C (p.Gly524Arg) variant is a missense variant. A literature search was performed for the gene, cDNA change, and amino acid change. No publications were found based on this search. This variant is reported at a frequency of 0.000037 in the Latino/Admixed American population of the Genome Aggregation Database (version 2.1.1), though this is based on a single occurrence in a region of low sequencing coverage. Based on the available evidence, the p.Gly524Arg variant is classified as a variant of uncertain significance.